The following is an entry in ClinVar:

NM_019066.5(MAGEL2):c.1772A>G (p.Lys591Arg)

Gene: MAGEL2 (MAGE family member L2; minus strand). Cytogenetic location: 15q11.2.
Variant type: single nucleotide variant.
Coding change: c.1772A>G on transcript NM_019066.5 (MANE Select); coding-DNA position 1772, A replaced by G.
Protein change: p.Lys591Arg; replaces lysine 591 with arginine.
Molecular consequence: missense variant.
Genome position (GRCh38, 1-based): chr15:23,645,971, T>C on the plus strand (A>G on the coding strand, the complement: MAGEL2 is on the minus strand). VCF-style: chr15-23645971-T-C. GRCh37 (hg19) VCF-style: chr15-23891118-T-C.
Other names: short protein forms K591R.
Identifiers: ClinVar variation 1981209 (VCV001981209.8), dbSNP rs758454311, ClinGen allele CA7430024.

ClinVar aggregate classification (germline): Conflicting classifications of pathogenicity. Review status: criteria provided, conflicting classifications (1 of 4 stars). 3 submissions from 3 submitters: Uncertain significance (2); Likely benign (1). Last evaluated 2025-06-06.

Conditions:
Inborn genetic diseases. Identifiers: MedGen C0950123, MeSH D030342.
Schaaf-Yang syndrome (SHFYNG). Also called: Arthrogryposis, distal, with hypopituitarism, intellectual disability, and facial anomalies; MAGEL2-related Prader-Willi-like syndrome. Identifiers: Orphanet 398069, MedGen C5575066, MONDO:0014243, OMIM 615547.

Allele frequency attached by ClinVar (database versions not stated): gnomAD exomes 0.00003; ExAC 0.00016.
gnomAD v4.1: 40 of 1,561,480 alleles (0.0026%); highest among the groups gnomAD compares: South Asian, 0.042%; no homozygotes.

Submissions (3):

Labcorp Genetics (formerly Invitae), Labcorp
Classification: Uncertain significance. Last evaluated: 2025-06-06. Review status: criteria provided, single submitter. Criteria: Invitae Variant Classification Sherloc (09022015). Collection method: clinical testing. Allele origin: germline.
Comment: This sequence change replaces lysine, which is basic and polar, with arginine, which is basic and polar, at codon 591 of the MAGEL2 protein (p.Lys591Arg). This variant is present in population databases (rs758454311, gnomAD 0.05%), and has an allele count higher than expected for a pathogenic variant. This variant has not been reported in the literature in individuals affected with MAGEL2-related conditions. ClinVar contains an entry for this variant (Variation ID: 1981209). Invitae Evidence Modeling of protein sequence and biophysical properties (such as structural, functional, and spatial information, amino acid conservation, physicochemical variation, residue mobility, and thermodynamic stability) indicates that this missense variant is not expected to disrupt MAGEL2 protein function with a negative predictive value of 80%. In summary, the available evidence is currently insufficient to determine the role of this variant in disease. Therefore, it has been classified as a Variant of Uncertain Significance.

Ambry Genetics
Classification: Likely benign for Inborn genetic diseases. Last evaluated: 2022-09-06. Review status: criteria provided, single submitter. Criteria: Ambry Variant Classification Scheme 2023. Collection method: clinical testing. Allele origin: germline.

Revvity Omics, Revvity
Classification: Uncertain significance for Schaaf-Yang syndrome. Last evaluated: 2019-02-19. Review status: criteria provided, single submitter. Criteria: ACMG Guidelines, 2015. Collection method: clinical testing. Allele origin: germline.